The following is an entry in ClinVar:

NM_198904.4(GABRG2):c.144T>A (p.Asp48Glu)

Gene: GABRG2 (gamma-aminobutyric acid type A receptor subunit gamma2; plus strand). Cytogenetic location: 5q34.
Variant type: single nucleotide variant.
Coding change: c.144T>A on transcript NM_198904.4 (MANE Select); coding-DNA position 144, T replaced by A.
Protein change: p.Asp48Glu; replaces aspartic acid 48 with glutamic acid.
Molecular consequence: missense variant. On other transcripts: 5 prime UTR variant (3).
Genome position (GRCh38, 1-based): chr5:162,093,864, T>A. VCF-style: chr5-162093864-T-A. GRCh37 (hg19) VCF-style: chr5-161520870-T-A.
Other names: c.144T>A, p.Asp48Glu (NM_000816.3, NM_001375340.1, NM_001375341.1 and 4 more transcripts); c.135T>A, p.Asp45Glu (NM_001375339.1); c.78T>A, p.Asp26Glu (NM_001375345.1, NM_001375346.1); c.57T>A, p.Asp19Glu (NM_001375347.1); c.-215T>A (NM_001375348.1, NM_001375350.1); c.-142T>A (NM_001375349.1); short protein forms D48E, D45E, D19E, D26E.
Identifiers: ClinVar variation 2923750 (VCV002923750.3), dbSNP rs772026488, ClinGen allele CA3544676.

ClinVar aggregate classification (germline): Uncertain significance (1 of 4 stars; one submission).

Conditions:
EPILEPSY, CHILDHOOD ABSENCE, SUSCEPTIBILITY TO, 2 (ECA2). Identifiers: Orphanet 64280, MedGen C1843244, OMIM 607681.
Febrile seizures, familial, 8 (FEB8). Also called: CONVULSIONS, FAMILIAL FEBRILE, 8. Identifiers: Orphanet 36387, MedGen C1969810, MONDO:0011891, OMIM 607681.

Allele frequency attached by ClinVar (database versions not stated): ExAC 0.00001; gnomAD 0.00001; TOPMed 0.00002.
gnomAD v4.1: 4 of 1,613,130 alleles (0.00025%); highest among the groups gnomAD compares: East Asian, 0.0089%; no homozygotes.

Submission:

Labcorp Genetics (formerly Invitae), Labcorp
Classification: Uncertain significance for Febrile seizures, familial, 8; EPILEPSY, CHILDHOOD ABSENCE, SUSCEPTIBILITY TO, 2. Last evaluated: 2022-11-07. Review status: criteria provided, single submitter. Criteria: Invitae Variant Classification Sherloc (09022015). Collection method: clinical testing. Allele origin: germline.
Comment: This sequence change replaces aspartic acid, which is acidic and polar, with glutamic acid, which is acidic and polar, at codon 48 of the GABRG2 protein (p.Asp48Glu). This variant is present in population databases (rs772026488, gnomAD 0.03%). This variant has not been reported in the literature in individuals affected with GABRG2-related conditions. Advanced modeling of protein sequence and biophysical properties (such as structural, functional, and spatial information, amino acid conservation, physicochemical variation, residue mobility, and thermodynamic stability) has been performed at Invitae for this missense variant, however the output from this modeling did not meet the statistical confidence thresholds required to predict the impact of this variant on GABRG2 protein function. In summary, the available evidence is currently insufficient to determine the role of this variant in disease. Therefore, it has been classified as a Variant of Uncertain Significance.